The following is an entry in ClinVar:

NM_000384.3(APOB):c.10472C>T (p.Ser3491Phe)

Gene: APOB (apolipoprotein B; minus strand). Cytogenetic location: 2p24.1.
Variant type: single nucleotide variant.
Coding change: c.10472C>T on transcript NM_000384.3 (MANE Select); coding-DNA position 10472, C replaced by T.
Protein change: p.Ser3491Phe; replaces serine 3491 with phenylalanine.
Molecular consequence: missense variant.
Genome position (GRCh38, 1-based): chr2:21,006,396, G>A on the plus strand (C>T on the coding strand, the complement: APOB is on the minus strand). VCF-style: chr2-21006396-G-A. GRCh37 (hg19) VCF-style: chr2-21229268-G-A.
Other names: short protein forms S3491F.
Identifiers: ClinVar variation 3763644 (VCV003763644.2).

ClinVar aggregate classification (germline): Uncertain significance (1 of 4 stars; one submission).

Conditions:
Familial hypobetalipoproteinemia 1. Also called: Hypobetalipoproteinemia, normotriglyceridemic; Acanthocytosis with hypobetalipoproteinemia; APOB-Related Familial Hypobetalipoproteinemia. Identifiers: MedGen C4551990, MONDO:0014252, OMIM 615558.
Hypercholesterolemia, autosomal dominant, type B (FHCL2). Also called: APOB-Related Familial Hypercholesterolemia, Autosomal Dominant; Familial Hypercholesterolemia Type B; APOLIPOPROTEIN B-100, FAMILIAL DEFECTIVE; APOLIPOPROTEIN B-100, FAMILIAL LIGAND-DEFECTIVE; HYPERCHOLESTEROLEMIA, FAMILIAL, DUE TO LIGAND-DEFECTIVE APOLIPOPROTEIN B; Familial hypercholesterolemia 2. Identifiers: MedGen C1704417, MONDO:0007751, OMIM 144010.

gnomAD v4.1: 1 of 1,613,934 alleles (0.000062%); highest among the groups gnomAD compares: South Asian, 0.0011%; no homozygotes.

Submission:

Labcorp Genetics (formerly Invitae), Labcorp
Classification: Uncertain significance for Familial hypobetalipoproteinemia 1; Hypercholesterolemia, autosomal dominant, type B. Last evaluated: 2024-09-06. Review status: criteria provided, single submitter. Criteria: Invitae Variant Classification Sherloc (09022015). Collection method: clinical testing. Allele origin: germline.
Comment: This sequence change replaces serine, which is neutral and polar, with phenylalanine, which is neutral and non-polar, at codon 3491 of the APOB protein (p.Ser3491Phe). This variant is not present in population databases (gnomAD no frequency). This variant has not been reported in the literature in individuals affected with APOB-related conditions. Invitae Evidence Modeling of protein sequence and biophysical properties (such as structural, functional, and spatial information, amino acid conservation, physicochemical variation, residue mobility, and thermodynamic stability) has been performed for this missense variant. However, the output from this modeling did not meet the statistical confidence thresholds required to predict the impact of this variant on APOB protein function. In summary, the available evidence is currently insufficient to determine the role of this variant in disease. Therefore, it has been classified as a Variant of Uncertain Significance.